The following is an entry in ClinVar:

NM_006947.4(SRP72):c.392T>C (p.Val131Ala)

Gene: SRP72 (signal recognition particle 72; plus strand). Cytogenetic location: 4q12.
Variant type: single nucleotide variant.
Coding change: c.392T>C on transcript NM_006947.4 (MANE Select); coding-DNA position 392, T replaced by C.
Protein change: p.Val131Ala; replaces valine 131 with alanine.
Molecular consequence: missense variant. On other transcripts: non-coding transcript variant (1).
Genome position (GRCh38, 1-based): chr4:56,474,091, T>C. VCF-style: chr4-56474091-T-C. GRCh37 (hg19) VCF-style: chr4-57340257-T-C.
Other names: c.392T>C, p.Val131Ala (NM_001267722.2); short protein forms V131A.
Identifiers: ClinVar variation 2244998 (VCV002244998.5), dbSNP rs1353925780, ClinGen allele CA356996387.
Genomic context (GRCh38, chr4:56,474,091, plus strand): 5'-TTTACTTGCTATTTATTATTCAGTTATACCGTTTGGAACGCTATGATGAATGCTTAGCAG[T>C]GTATAGAGATCTCGTCCGAAACTCCCAAGATGATTATGATGAGGAGAGGAAAACAAACCT-3'
Protein context (NP_008878.3, residues 121-141): RLERYDECLA[Val131Ala]YRDLVRNSQD

ClinVar aggregate classification (germline): Uncertain significance. Review status: criteria provided, multiple submitters, no conflicts (2 of 4 stars). 2 submissions from 2 submitters: Uncertain significance (2). Last evaluated 2025-02-17.

Allele frequency attached by ClinVar (database versions not stated): gnomAD 0.00001; gnomAD exomes 0.00001.
gnomAD v4.1: 6 of 1,613,992 alleles (0.00037%); highest among the groups gnomAD compares: Non-Finnish European, 0.00051%; no homozygotes.

Submissions (2):

Labcorp Genetics (formerly Invitae), Labcorp
Classification: Uncertain significance. Last evaluated: 2025-02-17. Review status: criteria provided, single submitter. Criteria: Invitae Variant Classification Sherloc (09022015). Collection method: clinical testing. Allele origin: germline.
Comment: This sequence change replaces valine, which is neutral and non-polar, with alanine, which is neutral and non-polar, at codon 131 of the SRP72 protein (p.Val131Ala). This variant is present in population databases (no rsID available, gnomAD 0.0009%). This variant has not been reported in the literature in individuals affected with SRP72-related conditions. ClinVar contains an entry for this variant (Variation ID: 2244998). Invitae Evidence Modeling of protein sequence and biophysical properties (such as structural, functional, and spatial information, amino acid conservation, physicochemical variation, residue mobility, and thermodynamic stability) indicates that this missense variant is not expected to disrupt SRP72 protein function with a negative predictive value of 80%. In summary, the available evidence is currently insufficient to determine the role of this variant in disease. Therefore, it has been classified as a Variant of Uncertain Significance.

Ambry Genetics
Classification: Uncertain significance. Last evaluated: 2021-08-13. Review status: criteria provided, single submitter. Criteria: Ambry Variant Classification Scheme 2023. Collection method: clinical testing. Allele origin: germline.